The following is an entry in ClinVar:

ClinVar aggregate classification (germline): Uncertain significance (1 of 4 stars; one submission).

Conditions:
Muscle AMP deaminase deficiency (MMDD). Also called: Myoadenylate deaminase deficiency, myopathy due to; Adenosine monophosphate deaminase 1 deficiency; AMP deaminase 1 deficiency; Adenosine Monophosphate Deaminase 1; ADENOSINE MONOPHOSPHATE DEAMINASE-1 DEFICIENCY, MYOPATHY DUE TO; AMPD1 DEFICIENCY. Identifiers: Orphanet 45, MedGen C3714933, MONDO:0014220, OMIM 615511.

Submission:

Labcorp Genetics (formerly Invitae), Labcorp
Classification: Uncertain significance for Muscle AMP deaminase deficiency. Last evaluated: 2025-09-23. Review status: criteria provided, single submitter. Criteria: Invitae Variant Classification Sherloc (09022015). Collection method: clinical testing. Allele origin: germline.
Comment: This sequence change replaces leucine, which is neutral and non-polar, with phenylalanine, which is neutral and non-polar, at codon 721 of the AMPD1 protein (p.Leu721Phe). This variant is not present in population databases (gnomAD no frequency). This variant has not been reported in the literature in individuals affected with AMPD1-related conditions. Invitae Evidence Modeling of protein sequence and biophysical properties (such as structural, functional, and spatial information, amino acid conservation, physicochemical variation, residue mobility, and thermodynamic stability) indicates that this missense variant is not expected to disrupt AMPD1 protein function with a negative predictive value of 80%. In summary, the available evidence is currently insufficient to determine the role of this variant in disease. Therefore, it has been classified as a Variant of Uncertain Significance.

NM_000036.3(AMPD1):c.2064G>T (p.Leu688Phe)

Gene: AMPD1 (adenosine monophosphate deaminase 1; minus strand). Cytogenetic location: 1p13.2.
Variant type: single nucleotide variant.
Coding change: c.2064G>T on transcript NM_000036.3 (MANE Select); coding-DNA position 2064, G replaced by T.
Protein change: p.Leu688Phe; replaces leucine 688 with phenylalanine.
Molecular consequence: missense variant.
Genome position (GRCh38, 1-based): chr1:114,673,660, C>A on the plus strand (G>T on the coding strand, the complement: AMPD1 is on the minus strand). VCF-style: chr1-114673660-C-A. GRCh37 (hg19) VCF-style: chr1-115216281-C-A.
Other names: c.2052G>T, p.Leu684Phe (NM_001172626.2); short protein forms L684F, L688F.
Identifiers: ClinVar variation 4743456 (VCV004743456.1).